The following is an entry in ClinVar:

ClinVar aggregate classification (germline): Uncertain significance. Review status: criteria provided, multiple submitters, no conflicts (2 of 4 stars). 2 submissions from 2 submitters: Uncertain significance (2). Last evaluated 2024-05-27.

Conditions:
Hereditary cancer-predisposing syndrome. Also called: Hereditary Cancer Syndrome; Hereditary neoplastic syndrome; Neoplastic Syndromes, Hereditary; Tumor predisposition. Identifiers: Orphanet 140162, MedGen C0027672, MeSH D009386, MONDO:0015356.
Multiple endocrine neoplasia, type 2 (MEN2). Identifiers: Orphanet 653, MedGen C4048306, MONDO:0019003. Disease mechanism: gain of function.

Submissions (2):

Ambry Genetics
Classification: Uncertain significance for Hereditary cancer-predisposing syndrome. Last evaluated: 2024-05-27. Review status: criteria provided, single submitter. Criteria: Ambry Variant Classification Scheme 2023. Collection method: clinical testing. Allele origin: germline.
Comment: The p.K563T variant (also known as c.1688A>C), located in coding exon 9 of the RET gene, results from an A to C substitution at nucleotide position 1688. The lysine at codon 563 is replaced by threonine, an amino acid with similar properties. This amino acid position is not well conserved in available vertebrate species. In addition, the in silico prediction for this alteration is inconclusive. Since supporting evidence is limited at this time, the clinical significance of this alteration remains unclear.

Labcorp Genetics (formerly Invitae), Labcorp
Classification: Uncertain significance for Multiple endocrine neoplasia, type 2. Last evaluated: 2022-10-27. Review status: criteria provided, single submitter. Criteria: Invitae Variant Classification Sherloc (09022015). Collection method: clinical testing. Allele origin: germline.
Comment: Algorithms developed to predict the effect of missense changes on protein structure and function (SIFT, PolyPhen-2, Align-GVGD) all suggest that this variant is likely to be tolerated. In summary, the available evidence is currently insufficient to determine the role of this variant in disease. Therefore, it has been classified as a Variant of Uncertain Significance. ClinVar contains an entry for this variant (Variation ID: 216716). This variant has not been reported in the literature in individuals affected with RET-related conditions. This variant is not present in population databases (gnomAD no frequency). This sequence change replaces lysine, which is basic and polar, with threonine, which is neutral and polar, at codon 563 of the RET protein (p.Lys563Thr).

NM_020975.6(RET):c.1688A>C (p.Lys563Thr)

Gene: RET (ret proto-oncogene; plus strand). Cytogenetic location: 10q11.21.
Variant type: single nucleotide variant.
Coding change: c.1688A>C on transcript NM_020975.6 (MANE Select); coding-DNA position 1688, A replaced by C.
Protein change: p.Lys563Thr; replaces lysine 563 with threonine.
Molecular consequence: missense variant.
Genome position (GRCh38, 1-based): chr10:43,112,892, A>C. VCF-style: chr10-43112892-A-C. GRCh37 (hg19) VCF-style: chr10-43608340-A-C.
Other names: c.1688A>C, p.Lys563Thr (NM_000323.2, NM_001406743.1, NM_001406744.1 and 6 more transcripts); c.926A>C, p.Lys309Thr (NM_001355216.2); c.1559A>C, p.Lys520Thr (NM_001406761.1, NM_001406762.1, NM_001406764.1 and 1 more transcripts); c.1400A>C, p.Lys467Thr (NM_001406766.1, NM_001406767.1, NM_001406770.1); c.1292A>C, p.Lys431Thr (NM_001406769.1, NM_001406772.1); c.1250A>C, p.Lys417Thr (NM_001406771.1, NM_001406773.1); c.1163A>C, p.Lys388Thr (NM_001406774.1); c.962A>C, p.Lys321Thr (NM_001406775.1, NM_001406776.1, NM_001406777.1 and 1 more transcripts); and 5 more; short protein forms K563T, K309T, K221T, K233T, K264T, K321T, K431T, K467T.
Identifiers: ClinVar variation 216716 (VCV000216716.13), dbSNP rs863224777, ClinGen allele CA337656.